The following is an entry in ClinVar:

ClinVar aggregate classification (germline): Uncertain significance (1 of 4 stars; one submission).

Conditions:
Hereditary cancer-predisposing syndrome. Also called: Neoplastic Syndromes, Hereditary; Tumor predisposition; Hereditary Cancer Syndrome; Hereditary neoplastic syndrome. Identifiers: Orphanet 140162, MedGen C0027672, MeSH D009386, MONDO:0015356.
Cardiovascular phenotype. Identifiers: MedGen CN230736.

Submission:

Ambry Genetics
Classification: Uncertain significance for Cardiovascular phenotype; Hereditary cancer-predisposing syndrome. Last evaluated: 2023-07-25. Review status: criteria provided, single submitter. Criteria: Ambry Variant Classification Scheme 2023. Collection method: clinical testing. Allele origin: germline.
Comment: The c.3497-2A>G intronic variant results from an A to G substitution two nucleotides upstream from coding exon 27 in the NF1 gene. Alterations that disrupt the canonical splice site are expected to result in aberrant splicing. In silico splice site analysis predicts that this alteration will weaken the native splice acceptor site and will result in the creation or strengthening of a novel splice acceptor site. The resulting transcript is predicted to be in-frame and is not expected to trigger nonsense-mediated mRNAdecay; however, direct evidence is unavailable. The exact functional effect of the altered amino acid sequence is unknown. This nucleotide position is highly conserved in available vertebrate species. Since supporting evidence is limited at this time, the clinical significance of this alteration remains unclear.

NM_001042492.3(NF1):c.3497-2A>G

Gene: NF1 (neurofibromin 1; plus strand). Cytogenetic location: 17q11.2.
Variant type: single nucleotide variant.
Coding change: c.3497-2A>G on transcript NM_001042492.3 (MANE Select); the canonical splice acceptor site of the intron before coding-DNA position 3497, A replaced by G.
Molecular consequence: splice acceptor variant.
Genome position (GRCh38, 1-based): chr17:31,233,000, A>G. VCF-style: chr17-31233000-A-G. GRCh37 (hg19) VCF-style: chr17-29560018-A-G.
Other names: c.3497-2A>G (NM_000267.4).
Identifiers: ClinVar variation 1731991 (VCV001731991.2), dbSNP rs2151435244, ClinGen allele CA398989589.